The following is an entry in ClinVar:

NM_002775.5(HTRA1):c.883G>A (p.Gly295Arg)

Gene: HTRA1 (HtrA serine peptidase 1; plus strand). Cytogenetic location: 10q26.13.
Variant type: single nucleotide variant.
Coding change: c.883G>A on transcript NM_002775.5 (MANE Select); coding-DNA position 883, G replaced by A.
Protein change: p.Gly295Arg; replaces glycine 295 with arginine.
Molecular consequence: missense variant.
Genome position (GRCh38, 1-based): chr10:122,506,796, G>A. VCF-style: chr10-122506796-G-A. GRCh37 (hg19) VCF-style: chr10-124266312-G-A.
Other names: short protein forms G295R.
Identifiers: ClinVar variation 30244 (VCV000030244.11), dbSNP rs587776873, ClinGen allele CA342726.

ClinVar aggregate classification (germline): Pathogenic/Likely pathogenic. Review status: criteria provided, multiple submitters, no conflicts (2 of 4 stars). 6 submissions from 6 submitters: Pathogenic (1); Likely pathogenic (3). 2 of the submissions do not count toward it. Last evaluated 2024-12-23.

Conditions:
HTRA1-related disorders.
Cerebral arteriopathy, autosomal recessive, with subcortical infarcts and leukoencephalopathy 2. Also called: MAEDA SYNDROME; CEREBROVASCULAR DISEASE WITH THIN SKIN, ALOPECIA, AND DISC DISEASE; SUBCORTICAL VASCULAR ENCEPHALOPATHY, PROGRESSIVE; CARASIL syndrome; Cerebral autosomal recessive arteriopathy with subcortical infarcts and leukoencephalopathy. Identifiers: Orphanet 199354, MedGen C6022615, MONDO:0010829, OMIM 600142.

Submissions (6):

Mayo Clinic Laboratories, Mayo Clinic
Classification: Likely pathogenic. Last evaluated: 2024-12-23. Review status: criteria provided, single submitter. Criteria: ACMG Guidelines, 2015. Collection method: clinical testing. Allele origin: germline. Observed: 1 variant allele.
Comment: PP3_moderate, PM1, PS3_moderate

Labcorp Genetics (formerly Invitae), Labcorp
Classification: Pathogenic. Last evaluated: 2024-08-05. Review status: criteria provided, single submitter. Criteria: Invitae Variant Classification Sherloc (09022015). Collection method: clinical testing. Allele origin: germline.
Comment: This sequence change replaces glycine, which is neutral and non-polar, with arginine, which is basic and polar, at codon 295 of the HTRA1 protein (p.Gly295Arg). This variant is present in population databases (rs587776873, gnomAD 0.002%). This missense change has been observed in individuals with autosomal dominant and recessive cerebral arteriopathy with subcortical infarcts and leukoencephalopathy (PMID: 21115960, 28782182; Invitae). It has also been observed to segregate with disease in related individuals. ClinVar contains an entry for this variant (Variation ID: 30244). Advanced modeling of protein sequence and biophysical properties (such as structural, functional, and spatial information, amino acid conservation, physicochemical variation, residue mobility, and thermodynamic stability) performed at Invitae indicates that this missense variant is expected to disrupt HTRA1 protein function with a positive predictive value of 80%. Experimental studies have shown that this missense change affects HTRA1 function (PMID: 31316458). For these reasons, this variant has been classified as Pathogenic.

Blueprint Genetics
Classification: Likely pathogenic for HTRA1-related disorders. Last evaluated: 2023-08-15. Review status: criteria provided, single submitter. Criteria: ACMG Guidelines, 2015. Collection method: clinical testing. Allele origin: germline. Affected: yes. Observed: 2 variant alleles.

GeneDx
Classification: Likely pathogenic. Last evaluated: 2021-12-09. Review status: criteria provided, single submitter. Criteria: GeneDx Variant Classification Process June 2021. Collection method: clinical testing. Allele origin: germline. Affected: yes.
Comment: Not observed at significant frequency in large population cohorts (gnomAD); Published functional studies demonstrate a damaging effect on trimerization and protease activity (Uemura et al., 2019); This variant is associated with the following publications: (PMID: 31589614, 32017060, 31316458, 21115960, 28782182)

OMIM
Classification: Pathogenic for CEREBRAL ARTERIOPATHY, AUTOSOMAL RECESSIVE, WITH SUBCORTICAL INFARCTS AND LEUKOENCEPHALOPATHY 2. Last evaluated: 2010-11-30. Review status: no assertion criteria provided. Collection method: literature only. Allele origin: germline. Not counted in ClinVar's aggregate classification.

GeneReviews
No classification provided. Condition: Cerebral arteriopathy, autosomal recessive, with subcortical infarcts and leukoencephalopathy 2. Review status: no classification provided. Collection method: literature only. Allele origin: germline. Affected: yes. Not counted in ClinVar's aggregate classification.

Literature cited by the submitters: PubMed 21115960 (cited by 4 submitters); PubMed 25506911 (cited by Mayo Clinic Laboratories, Mayo Clinic); PubMed 28782182 (cited by Mayo Clinic Laboratories, Mayo Clinic and Labcorp Genetics (formerly Invitae), Labcorp); PubMed 29895533 (cited by Mayo Clinic Laboratories, Mayo Clinic); PubMed 30859180 (cited by Mayo Clinic Laboratories, Mayo Clinic); PubMed 31316458 (cited by Mayo Clinic Laboratories, Mayo Clinic and Labcorp Genetics (formerly Invitae), Labcorp); PubMed 31589614 (cited by Mayo Clinic Laboratories, Mayo Clinic); PubMed 32017060 (cited by Mayo Clinic Laboratories, Mayo Clinic); PubMed 33109952 (cited by Mayo Clinic Laboratories, Mayo Clinic); PubMed 34220097 (cited by Mayo Clinic Laboratories, Mayo Clinic); PubMed 35841197 (cited by Mayo Clinic Laboratories, Mayo Clinic); PubMed 35946346 (cited by Mayo Clinic Laboratories, Mayo Clinic); PubMed 36035189 (cited by Mayo Clinic Laboratories, Mayo Clinic); PubMed 36524103 (cited by Mayo Clinic Laboratories, Mayo Clinic); PubMed 37016629 (cited by Mayo Clinic Laboratories, Mayo Clinic); NCBI Bookshelf NBK32533 (cited by GeneReviews).